The following is an entry in ClinVar:

ClinVar aggregate classification (germline): Uncertain significance (1 of 4 stars; one submission).

gnomAD v4.1: 5 of 1,614,076 alleles (0.00031%); highest among the groups gnomAD compares: Non-Finnish European, 0.00042%; no homozygotes.

Submission:

Labcorp Genetics (formerly Invitae), Labcorp
Classification: Uncertain significance. Last evaluated: 2025-12-17. Review status: criteria provided, single submitter. Criteria: Invitae Variant Classification Sherloc (09022015). Collection method: clinical testing. Allele origin: germline.
Comment: This sequence change replaces threonine, which is neutral and polar, with serine, which is neutral and polar, at codon 735 of the MYLK3 protein (p.Thr735Ser). This variant is present in population databases (rs201767714, gnomAD 0.0009%). This variant has not been reported in the literature in individuals affected with MYLK3-related conditions. ClinVar contains an entry for this variant (Variation ID: 1366002). An algorithm developed to predict the effect of missense changes on protein structure and function outputs the following: PolyPhen-2: "Benign". The serine amino acid residue is found in multiple mammalian species, which suggests that this missense change does not adversely affect protein function. In summary, the available evidence is currently insufficient to determine the role of this variant in disease. Therefore, it has been classified as a Variant of Uncertain Significance.

NM_182493.3(MYLK3):c.2204C>G (p.Thr735Ser)

Gene: MYLK3 (myosin light chain kinase 3; minus strand). Cytogenetic location: 16q11.2.
Variant type: single nucleotide variant.
Coding change: c.2204C>G on transcript NM_182493.3 (MANE Select); coding-DNA position 2204, C replaced by G.
Protein change: p.Thr735Ser; replaces threonine 735 with serine.
Molecular consequence: missense variant.
Genome position (GRCh38, 1-based): chr16:46,710,700, G>C on the plus strand (C>G on the coding strand, the complement: MYLK3 is on the minus strand). VCF-style: chr16-46710700-G-C. GRCh37 (hg19) VCF-style: chr16-46744612-G-C.
Other names: c.1181C>G, p.Thr394Ser (NM_001308301.1); short protein forms T394S, T735S.
Identifiers: ClinVar variation 1366002 (VCV001366002.6), dbSNP rs201767714, ClinGen allele CA8037654.